The following is an entry in ClinVar:

NM_052859.4(RFT1):c.1375C>T (p.His459Tyr)

Gene: RFT1 (RFT1 glycolipid translocator homolog; minus strand). Cytogenetic location: 3p21.1.
Variant type: single nucleotide variant.
Coding change: c.1375C>T on transcript NM_052859.4 (MANE Select); coding-DNA position 1375, C replaced by T.
Protein change: p.His459Tyr; replaces histidine 459 with tyrosine.
Molecular consequence: missense variant.
Genome position (GRCh38, 1-based): chr3:53,092,452, G>A on the plus strand (C>T on the coding strand, the complement: RFT1 is on the minus strand). VCF-style: chr3-53092452-G-A. GRCh37 (hg19) VCF-style: chr3-53126468-G-A.
Other names: c.1375C>T (NM_052859.3); short protein forms H459Y.
Identifiers: ClinVar variation 2427853 (VCV002427853.4), dbSNP rs774660163, ClinGen allele CA2451166.

ClinVar aggregate classification (germline): Uncertain significance. Review status: criteria provided, multiple submitters, no conflicts (2 of 4 stars). 2 submissions from 2 submitters: Uncertain significance (2). Last evaluated 2024-07-05.

Conditions:
Inborn genetic diseases. Identifiers: MedGen C0950123, MeSH D030342.
RFT1-congenital disorder of glycosylation (CDG1N). Also called: Congenital disorder of glycosylation type In; RFT1-CDG; CDG In. Identifiers: Orphanet 244310, MedGen C2677590, MONDO:0012783, OMIM 612015.

Allele frequency attached by ClinVar (database versions not stated): gnomAD 0.00002; gnomAD exomes 0.00003; ExAC 0.00007.

Submissions (2):

Ambry Genetics
Classification: Uncertain significance for Inborn genetic diseases. Last evaluated: 2024-07-05. Review status: criteria provided, single submitter. Criteria: Ambry Variant Classification Scheme 2023. Collection method: clinical testing. Allele origin: germline.

Labcorp Genetics (formerly Invitae), Labcorp
Classification: Uncertain significance for RFT1-congenital disorder of glycosylation. Last evaluated: 2022-03-12. Review status: criteria provided, single submitter. Criteria: Invitae Variant Classification Sherloc (09022015). Collection method: clinical testing. Allele origin: germline.
Comment: This sequence change replaces histidine, which is basic and polar, with tyrosine, which is neutral and polar, at codon 459 of the RFT1 protein (p.His459Tyr). This variant is present in population databases (rs774660163, gnomAD 0.1%). This variant has not been reported in the literature in individuals affected with RFT1-related conditions. Algorithms developed to predict the effect of missense changes on protein structure and function output the following: SIFT: "Tolerated"; PolyPhen-2: "Benign"; Align-GVGD: "Class C0". The tyrosine amino acid residue is found in multiple mammalian species, which suggests that this missense change does not adversely affect protein function. In summary, the available evidence is currently insufficient to determine the role of this variant in disease. Therefore, it has been classified as a Variant of Uncertain Significance.